The following is an entry in ClinVar:

NM_004991.4(MECOM):c.2478C>T (p.Asp826=)

Gene: MECOM (MDS1 and EVI1 complex locus; minus strand). Cytogenetic location: 3q26.2.
Variant type: single nucleotide variant.
Coding change: c.2478C>T on transcript NM_004991.4 (MANE Select); coding-DNA position 2478, C replaced by T.
Protein change: p.Asp826=; no amino-acid change (aspartic acid 826 retained).
Molecular consequence: synonymous variant.
Genome position (GRCh38, 1-based): chr3:169,115,394, G>A on the plus strand (C>T on the coding strand, the complement: MECOM is on the minus strand). VCF-style: chr3-169115394-G-A. GRCh37 (hg19) VCF-style: chr3-168833182-G-A.
Other names: c.2109C>T, p.Asp703= (NM_001105077.4); c.1914C>T, p.Asp638= (NM_001105078.4, NM_001164000.2, NM_001205194.2 and 4 more transcripts); c.1917C>T, p.Asp639= (NM_001163999.2, NM_001366467.2, NM_001366468.2 and 1 more transcripts); c.2478C>T, p.Asp826= (NM_001366466.2); c.1506C>T, p.Asp502= (NM_001366473.2); c.942C>T, p.Asp314= (NM_001366474.2); c.2478C>T (NM_004991.3).
Identifiers: ClinVar variation 3043154 (VCV003043154.5), dbSNP rs760392119, ClinGen allele CA2696163.
Genomic context (GRCh38, chr3:169,115,394, plus strand): 5'-CGCCTTTCATACATCTGCTCATATTTCGTCATCTTCCATACACGCTTACCTGTAAATAGG[G>A]TCCATAAAGAAAGGAGTGGGTCTTGCATGCTGCAAGGAACCATCTGAAGCAGGTCTTGAT-3'
Protein context (NP_004982.2, residues 816-836): QHARPTPFFM[Asp826=]PIYRVEKRKL

ClinVar aggregate classification (germline): Likely benign. Review status: criteria provided, multiple submitters, no conflicts (2 of 4 stars). 4 submissions from 4 submitters: Likely benign (3). 1 of the submissions does not count toward it. Last evaluated 2025-09-24.

Conditions:
Inborn genetic diseases. Identifiers: MedGen C0950123, MeSH D030342.
MECOM-related disorder. Also called: MECOM-related condition.

Allele frequency attached by ClinVar (database versions not stated): TOPMed 0.00001; gnomAD 0.00002; ExAC 0.00003.
gnomAD v4.1: 32 of 1,613,794 alleles (0.002%); highest among the groups gnomAD compares: Middle Eastern, 0.33%; no homozygotes.

Submissions (4):

Labcorp Genetics (formerly Invitae), Labcorp
Classification: Likely benign. Last evaluated: 2025-09-24. Review status: criteria provided, single submitter. Criteria: Invitae Variant Classification Sherloc (09022015). Collection method: clinical testing. Allele origin: germline.

Ambry Genetics
Classification: Likely benign for Inborn genetic diseases. Last evaluated: 2024-11-21. Review status: criteria provided, single submitter. Criteria: Ambry Variant Classification Scheme 2023. Collection method: clinical testing. Allele origin: germline.

Blueprint Genetics
Classification: Likely benign. Last evaluated: 2024-09-24. Review status: criteria provided, single submitter. Criteria: ACMG Guidelines, 2015. Collection method: clinical testing. Allele origin: germline.

PreventionGenetics, part of Exact Sciences
Classification: Likely benign for MECOM-related condition. Last evaluated: 2019-07-02. Review status: no assertion criteria provided. Collection method: clinical testing. Allele origin: germline. Not counted in ClinVar's aggregate classification.
Comment: This variant is classified as likely benign based on ACMG/AMP sequence variant interpretation guidelines (Richards et al. 2015 PMID: 25741868, with internal and published modifications).